The following is an entry in ClinVar:

ClinVar aggregate classification (germline): Uncertain significance (1 of 4 stars; one submission).

Conditions:
Niemann-Pick disease, type C1. Also called: NEUROVISCERAL STORAGE DISEASE WITH VERTICAL SUPRANUCLEAR OPHTHALMOPLEGIA; NIEMANN-PICK DISEASE WITH CHOLESTEROL ESTERIFICATION BLOCK; NIEMANN-PICK DISEASE WITHOUT SPHINGOMYELINASE DEFICIENCY; NIEMANN-PICK DISEASE, CHRONIC NEURONOPATHIC FORM; NIEMANN-PICK DISEASE, VARIANT TYPE C1. Identifiers: Orphanet 646, MedGen C3179455, MONDO:0009757, OMIM 257220.

Allele frequency attached by ClinVar (database versions not stated): gnomAD exomes below 0.00001; ExAC 0.00001; TOPMed 0.00003; ESP Exome Variant Server 0.00008.

Submission:

Labcorp Genetics (formerly Invitae), Labcorp
Classification: Uncertain significance for Niemann-Pick disease, type C1. Last evaluated: 2022-08-15. Review status: criteria provided, single submitter. Criteria: Invitae Variant Classification Sherloc (09022015). Collection method: clinical testing. Allele origin: germline.
Comment: This sequence change replaces serine, which is neutral and polar, with phenylalanine, which is neutral and non-polar, at codon 456 of the NPC1 protein (p.Ser456Phe). This variant is present in population databases (rs374159264, gnomAD 0.007%). This variant has not been reported in the literature in individuals affected with NPC1-related conditions. ClinVar contains an entry for this variant (Variation ID: 1364835). Advanced modeling of protein sequence and biophysical properties (such as structural, functional, and spatial information, amino acid conservation, physicochemical variation, residue mobility, and thermodynamic stability) performed at Invitae indicates that this missense variant is not expected to disrupt NPC1 protein function. In summary, the available evidence is currently insufficient to determine the role of this variant in disease. Therefore, it has been classified as a Variant of Uncertain Significance.

NM_000271.5(NPC1):c.1367C>T (p.Ser456Phe)

Gene: NPC1 (NPC intracellular cholesterol transporter 1; minus strand). Cytogenetic location: 18q11.2.
Variant type: single nucleotide variant.
Coding change: c.1367C>T on transcript NM_000271.5 (MANE Select); coding-DNA position 1367, C replaced by T.
Protein change: p.Ser456Phe; replaces serine 456 with phenylalanine.
Molecular consequence: missense variant.
Genome position (GRCh38, 1-based): chr18:23,554,944, G>A on the plus strand (C>T on the coding strand, the complement: NPC1 is on the minus strand). VCF-style: chr18-23554944-G-A. GRCh37 (hg19) VCF-style: chr18-21134908-G-A.
Other names: short protein forms S456F.
Identifiers: ClinVar variation 1364835 (VCV001364835.3), dbSNP rs374159264, ClinGen allele CA8913474.
Genomic context (GRCh38, chr18:23,554,944, plus strand): 5'-TTATACGGTGAAAGAGGGGCCAAGCAGATGTCTTGAAGTGTCACAGTCTCATTGTCATAA[G>A]AGGCAGTAATGTTTTCGATGGCTATTTGTAAGTCAAGAACCTGAAAGAAGATTTTAAAAA-3'
Protein context (NP_000262.2, residues 446-466): LQIAIENITA[Ser456Phe]YDNETVTLQD